The following is an entry in ClinVar:

ClinVar aggregate classification (germline): Uncertain significance. Review status: criteria provided, multiple submitters, no conflicts (2 of 4 stars). 4 submissions from 4 submitters: Uncertain significance (3). 1 of the submissions does not count toward it. Last evaluated 2026-07-22.

Conditions:
Familial dysautonomia. Also called: HSAN III; FD. Identifiers: Orphanet 1764, MedGen C0013364, MONDO:0009131, OMIM 223900. Disease mechanism: loss of function.
ELP1-related disorder. Also called: ELP1-related condition.

Allele frequency attached by ClinVar (database versions not stated): TOPMed below 0.00001.
gnomAD v4.1: 14 of 1,614,096 alleles (0.00087%); highest among the groups gnomAD compares: South Asian, 0.0022%; no homozygotes.

Submissions (4):

PreventionGenetics, part of Exact Sciences
Classification: Uncertain significance for ELP1-related condition. Last evaluated: 2026-07-22. Review status: criteria provided, single submitter. Criteria: ACMG Guidelines, 2015. Collection method: clinical testing. Allele origin: germline.
Comment: The ELP1 c.3194C>T variant is predicted to result in the amino acid substitution p.Ala1065Val. To our knowledge, this variant has not been reported in the literature or in a large population database (gnomAD), indicating this variant is rare. It is classified as uncertain in ClinVar (Variation ID: 638912). At this time, the clinical significance of this variant is uncertain due to the absence of conclusive functional and genetic evidence.

Ambry Genetics
Classification: Uncertain significance. Last evaluated: 2025-09-25. Review status: criteria provided, single submitter. Criteria: Ambry Variant Classification Scheme 2023. Collection method: clinical testing. Allele origin: germline.

Labcorp Genetics (formerly Invitae), Labcorp
Classification: Uncertain significance. Last evaluated: 2020-02-14. Review status: criteria provided, single submitter. Criteria: Invitae Variant Classification Sherloc (09022015). Collection method: clinical testing. Allele origin: germline.
Comment: This sequence change replaces alanine with valine at codon 1065 of the IKBKAP protein (p.Ala1065Val). The alanine residue is highly conserved and there is a small physicochemical difference between alanine and valine. This variant is not present in population databases (ExAC no frequency). This variant has not been reported in the literature in individuals with IKBKAP-related disease. Algorithms developed to predict the effect of missense changes on protein structure and function are either unavailable or do not agree on the potential impact of this missense change (SIFT: Tolerated; PolyPhen-2: Probably Damaging; Align-GVGD: Class C0). In summary, the available evidence is currently insufficient to determine the role of this variant in disease. Therefore, it has been classified as a Variant of Uncertain Significance.

Natera, Inc.
Classification: Uncertain significance for Familial dysautonomia. Last evaluated: 2020-09-16. Review status: no assertion criteria provided. Collection method: clinical testing. Allele origin: germline. Not counted in ClinVar's aggregate classification.

NM_003640.5(ELP1):c.3194C>T (p.Ala1065Val)

Gene: ELP1 (elongator acetyltransferase complex subunit 1; minus strand). Cytogenetic location: 9q31.3.
Variant type: single nucleotide variant.
Coding change: c.3194C>T on transcript NM_003640.5 (MANE Select); coding-DNA position 3194, C replaced by T.
Protein change: p.Ala1065Val; replaces alanine 1065 with valine.
Molecular consequence: missense variant.
Genome position (GRCh38, 1-based): chr9:108,889,360, G>A on the plus strand (C>T on the coding strand, the complement: ELP1 is on the minus strand). VCF-style: chr9-108889360-G-A. GRCh37 (hg19) VCF-style: chr9-111651640-G-A.
Other names: c.3194C>T (LRG_251t1, NM_003640.4); c.2852C>T, p.Ala951Val (NM_001318360.2); c.2147C>T, p.Ala716Val (NM_001330749.2); short protein forms A1065V, A716V, A951V.
Identifiers: ClinVar variation 638912 (VCV000638912.6), dbSNP rs972475636, ClinGen allele CA197528443.